The following is an entry in ClinVar:

ClinVar aggregate classification (germline): Likely benign (1 of 4 stars; one submission).

Conditions:
SEMA3C-related disorder. Also called: SEMA3C-related condition.

gnomAD v4.1: 1 of 1,609,124 alleles (0.000062%); highest among the groups gnomAD compares: African/African-American, 0.0013%; no homozygotes.

Submission:

PreventionGenetics, part of Exact Sciences
Classification: Likely benign for SEMA3C-related condition. Last evaluated: 2025-05-25. Review status: criteria provided, single submitter. Criteria: ACMG Guidelines, 2015. Collection method: clinical testing. Allele origin: germline.
Comment: This variant is classified as likely benign based on ACMG/AMP sequence variant interpretation guidelines (Richards et al. 2015 PMID: 25741868, with internal and published modifications).

NM_006379.5(SEMA3C):c.1359G>T (p.Arg453=)

Gene: SEMA3C (semaphorin 3C; minus strand). Cytogenetic location: 7q21.11.
Variant type: single nucleotide variant.
Coding change: c.1359G>T on transcript NM_006379.5 (MANE Select); coding-DNA position 1359, G replaced by T.
Protein change: p.Arg453=; no amino-acid change (arginine 453 retained).
Molecular consequence: synonymous variant.
Genome position (GRCh38, 1-based): chr7:80,765,239, C>A on the plus strand (G>T on the coding strand, the complement: SEMA3C is on the minus strand). VCF-style: chr7-80765239-C-A. GRCh37 (hg19) VCF-style: chr7-80394555-C-A.
Other names: c.1413G>T, p.Arg471= (NM_001350120.2); c.1185G>T, p.Arg395= (NM_001350121.2).
Identifiers: ClinVar variation 5001025 (VCV005001025.1).
Genomic context (GRCh38, chr7:80,765,239, plus strand): 5'-AATGAGCTCGCCACTGACAGAGTTGTTAGTAGGAAGAACAACCACTTTTTGCACAGTACC[C>A]CGATCTAAATTAAAAAAAGAAGAAATGAGATGTTACAATACTTTTTAAAAGAAAGCTATT-3'
Protein context (NP_006370.1, residues 443-463): RYHVLFLGTD[Arg453=]GTVQKVVVLP